The following is an entry in ClinVar:

NM_002317.7(LOX):c.1030A>G (p.Thr344Ala)

Genes: LOX (lysyl oxidase; minus strand), SRFBP1 (serum response factor binding protein 1; plus strand). Cytogenetic location: 5q23.1.
Variant type: single nucleotide variant.
Coding change: c.1030A>G on transcript NM_002317.7 (MANE Select); coding-DNA position 1030, A replaced by G.
Protein change: p.Thr344Ala; replaces threonine 344 with alanine.
Molecular consequence: missense variant.
Genome position (GRCh38, 1-based): chr5:122,074,018, T>C on the plus strand (A>G on the coding strand, the complement: LOX is on the minus strand). VCF-style: chr5-122074018-T-C. GRCh37 (hg19) VCF-style: chr5-121409713-T-C.
Other names: c.340A>G, p.Thr114Ala (NM_001178102.2); c.139A>G, p.Thr47Ala (NM_001317073.1); short protein forms T114A, T47A, T344A.
Identifiers: ClinVar variation 1462916 (VCV001462916.8), dbSNP rs535032095, ClinGen allele CA3383883.

ClinVar aggregate classification (germline): Uncertain significance (1 of 4 stars; one submission).

Allele frequency attached by ClinVar (database versions not stated): gnomAD 0.00001; ExAC 0.00009.
gnomAD v4.1: 17 of 1,613,344 alleles (0.0011%); highest among the groups gnomAD compares: Non-Finnish European, 0.001%; no homozygotes.

Submission:

Labcorp Genetics (formerly Invitae), Labcorp
Classification: Uncertain significance. Last evaluated: 2021-08-06. Review status: criteria provided, single submitter. Criteria: Invitae Variant Classification Sherloc (09022015). Collection method: clinical testing. Allele origin: germline.
Comment: In summary, the available evidence is currently insufficient to determine the role of this variant in disease. Therefore, it has been classified as a Variant of Uncertain Significance. Algorithms developed to predict the effect of missense changes on protein structure and function are either unavailable or do not agree on the potential impact of this missense change (SIFT: "Not Available"; PolyPhen-2: "Benign"; Align-GVGD: "Not Available"). This variant has not been reported in the literature in individuals affected with LOX-related conditions. This variant is present in population databases (rs535032095, ExAC 0.02%), and has an allele count higher than expected for a pathogenic variant (PMID: 28166811). This sequence change replaces threonine with alanine at codon 344 of the LOX protein (p.Thr344Ala). The threonine residue is highly conserved and there is a small physicochemical difference between threonine and alanine.

Literature cited by the submitters: PubMed 28166811.